The following is an entry in ClinVar:

ClinVar aggregate classification (germline): Pathogenic (1 of 4 stars; one submission).

Conditions:
Progressive sclerosing poliodystrophy (MTDPS4A). Also called: ALPERS PROGRESSIVE INFANTILE POLIODYSTROPHY; NEURONAL DEGENERATION OF CHILDHOOD WITH LIVER DISEASE, PROGRESSIVE; Alpers Syndrome; ALPERS DIFFUSE DEGENERATION OF CEREBRAL GRAY MATTER WITH HEPATIC CIRRHOSIS; Alpers-Huttenlocher Syndrome; Mitochondrial DNA depletion syndrome 4A (Alpers type). Identifiers: Orphanet 726, MedGen C0205710, MONDO:0008758, OMIM 203700.

Allele frequency attached by ClinVar (database versions not stated): TOPMed below 0.00001.

Submission:

Labcorp Genetics (formerly Invitae), Labcorp
Classification: Pathogenic for Progressive sclerosing poliodystrophy. Last evaluated: 2024-04-24. Review status: criteria provided, single submitter. Criteria: Invitae Variant Classification Sherloc (09022015). Collection method: clinical testing. Allele origin: germline.
Comment: This sequence change creates a premature translational stop signal (p.Glu1192*) in the POLG gene. It is expected to result in an absent or disrupted protein product. Loss-of-function variants in POLG are known to be pathogenic (PMID: 18546365). This variant is not present in population databases (gnomAD no frequency). This variant has not been reported in the literature in individuals affected with POLG-related conditions. ClinVar contains an entry for this variant (Variation ID: 1412734). Algorithms developed to predict the effect of sequence changes on RNA splicing suggest that this variant may disrupt the consensus splice site. For these reasons, this variant has been classified as Pathogenic.

Literature cited by the submitters: PubMed 18546365.

NM_002693.3(POLG):c.3574G>T (p.Glu1192Ter)

Gene: POLG (DNA polymerase gamma, catalytic subunit; minus strand). Cytogenetic location: 15q26.1.
Variant type: single nucleotide variant.
Coding change: c.3574G>T on transcript NM_002693.3 (MANE Select); coding-DNA position 3574, G replaced by T.
Protein change: p.Glu1192Ter; replaces glutamic acid 1192 with a stop codon.
Molecular consequence: nonsense.
Genome position (GRCh38, 1-based): chr15:89,317,445, C>A on the plus strand (G>T on the coding strand, the complement: POLG is on the minus strand). VCF-style: chr15-89317445-C-A. GRCh37 (hg19) VCF-style: chr15-89860676-C-A.
Other names: c.3574G>T, p.Glu1192Ter (NM_001126131.2); short protein forms E1192*.
Identifiers: ClinVar variation 1412734 (VCV001412734.6), dbSNP rs2055309922, ClinGen allele CA393747463.